The following is an entry in ClinVar:

ClinVar aggregate classification (germline): Likely benign. Review status: criteria provided, multiple submitters, no conflicts (2 of 4 stars). 2 submissions from 2 submitters: Likely benign (2). Last evaluated 2023-04-03.

Conditions:
Wilson disease (WND). Also called: Wilson's disease. Identifiers: Orphanet 905, MedGen C0019202, MONDO:0010200, OMIM 277900. Disease mechanism: loss of function.

Allele frequency attached by ClinVar (database versions not stated): TOPMed below 0.00001.

Submissions (2):

All of Us Research Program, National Institutes of Health
Classification: Likely benign for Wilson disease. Last evaluated: 2023-04-03. Review status: criteria provided, single submitter. Criteria: ACMG Guidelines, 2015. Collection method: clinical testing. Allele origin: germline. Inheritance: Autosomal recessive inheritance. Observed: 1 variant allele, 1 heterozygote.
Comment: This study involves interpretation of variants in research participants for the purpose of population health screening. Participant phenotype was not available at the time of variant classification. Additional details can be found in publication PMID: 35346344, PMCID: PMC8962531

Labcorp Genetics (formerly Invitae), Labcorp
Classification: Likely benign for Wilson disease. Last evaluated: 2019-12-03. Review status: criteria provided, single submitter. Criteria: Invitae Variant Classification Sherloc (09022015). Collection method: clinical testing. Allele origin: germline.

NM_000053.4(ATP7B):c.2796A>G (p.Ser932=)

Gene: ATP7B (ATPase copper transporting beta; minus strand). Cytogenetic location: 13q14.3.
Variant type: single nucleotide variant.
Coding change: c.2796A>G on transcript NM_000053.4 (MANE Select); coding-DNA position 2796, A replaced by G.
Protein change: p.Ser932=; no amino-acid change (serine 932 retained).
Molecular consequence: synonymous variant. On other transcripts: intron variant (1).
Genome position (GRCh38, 1-based): chr13:51,949,731, T>C on the plus strand (A>G on the coding strand, the complement: ATP7B is on the minus strand). VCF-style: chr13-51949731-T-C. GRCh37 (hg19) VCF-style: chr13-52523867-T-C.
Other names: c.2463A>G, p.Ser821= (NM_001243182.2); c.2562A>G, p.Ser854= (NM_001330578.2); c.2544A>G, p.Ser848= (NM_001330579.2); c.2244+276A>G (NM_001005918.3).
Identifiers: ClinVar variation 1118547 (VCV001118547.10), dbSNP rs1957875863, ClinGen allele CA484024504.
Genomic context (GRCh38, chr13:51,949,731, plus strand): 5'-TCTCTGAACAACACCAAAATCGATAAAACCGATTACAATCCATACCACCAACGTCAAAGT[T>C]GACATGATGATGATAAATGGGACAAAATATCCACTAAACCGGTCAGCCAGCTGCTGAATG-3'
Protein context (NP_000044.2, residues 922-942): GYFVPFIIIM[Ser932=]TLTLVVWIVI